The following is an entry in ClinVar:

NM_020442.6(VARS2):c.1834_1835del (p.Leu612fs)

Genes: VARS2 (valyl-tRNA synthetase 2, mitochondrial; plus strand), LOC126859646 (MED14-independent group 3 enhancer GRCh37_chr6:30889690-30890889; plus strand). Cytogenetic location: 6p21.33.
Variant type: Deletion.
Coding change: c.1834_1835del on transcript NM_020442.6 (MANE Select); coding-DNA positions 1834 to 1835, 2 bases deleted (CT; older notation c.1834_1835delCT).
Protein change: p.Leu612fs; shifts the reading frame from leucine 612.
Molecular consequence: frameshift variant.
Genome position (GRCh38, 1-based): chr6:30,922,143-30,922,144, CT deleted. VCF-style (leftmost placement, unchanged base first): chr6-30922142-CCT-C. GRCh37 (hg19) VCF-style: chr6-30889919-CCT-C.
Other names: c.1414_1415del, p.Leu472fs (NM_001167733.3); c.1924_1925del, p.Leu642fs (NM_001167734.2); c.1924_1925del (NM_001167734.1); short protein forms L472fs, L612fs, L642fs.
Identifiers: ClinVar variation 802194 (VCV000802194.7), dbSNP rs777028011, ClinGen allele CA3706063.
Genomic context (GRCh38, chr6:30,922,142, plus strand): 5'-GGCCTGGGCCTCTTACTGCTCCTCTTCCCCCTAGACCCCAGACCTTGCTCGTTTCTACCC[CCT>C]GTCACTTTTGGAAACGGGCAGCGACCTTCTGCTGTTCTGGGTGGGCCGCATGGTCATGTT-3'

ClinVar aggregate classification (germline): Pathogenic/Likely pathogenic. Review status: criteria provided, multiple submitters, no conflicts (2 of 4 stars). 6 submissions from 6 submitters: Pathogenic (3); Likely pathogenic (3). Last evaluated 2026-09-04.

Conditions:
Combined oxidative phosphorylation defect type 20. Also called: Combined oxidative phosphorylation deficiency 20. Identifiers: Orphanet 420728, MedGen C4014660, MONDO:0014397, OMIM 615917.

Allele frequency attached by ClinVar (database versions not stated): gnomAD exomes below 0.00001 and 0.00001; gnomAD 0.00002 and 0.00001; TOPMed 0.00007; ExAC 0.00002.

Submissions (6):

GeneDx
Classification: Pathogenic. Last evaluated: 2026-09-04. Review status: criteria provided, single submitter. Criteria: GeneDx Variant Classification Process June 2021. Collection method: clinical testing. Allele origin: germline.
Comment: Frameshift variant predicted to result in protein truncation or nonsense mediated decay in a gene for which loss of function is a known mechanism of disease; Not observed at significant frequency in large population cohorts (gnomAD); Has not been previously published as pathogenic or benign to our knowledge

Labcorp Genetics (formerly Invitae), Labcorp
Classification: Pathogenic. Last evaluated: 2025-10-07. Review status: criteria provided, single submitter. Criteria: Invitae Variant Classification Sherloc (09022015). Collection method: clinical testing. Allele origin: germline.
Comment: This sequence change creates a premature translational stop signal (p.Leu642Valfs*100) in the VARS2 gene. It is expected to result in an absent or disrupted protein product. Loss-of-function variants in VARS2 are known to be pathogenic (PMID: 29313548). This variant is present in population databases (rs777028011, gnomAD 0.0009%). This variant has not been reported in the literature in individuals affected with VARS2-related conditions. ClinVar contains an entry for this variant (Variation ID: 802194). For these reasons, this variant has been classified as Pathogenic.

Women's Health and Genetics/Laboratory Corporation of America, LabCorp
Classification: Likely pathogenic for Combined oxidative phosphorylation defect type 20. Last evaluated: 2023-03-03. Review status: criteria provided, single submitter. Criteria: LabCorp Variant Classification Summary - May 2015. Collection method: clinical testing. Allele origin: germline.
Comment: Variant summary: VARS2 c.1834_1835delCT (p.Leu612ValfsX100) results in a premature termination codon, predicted to cause a truncation of the encoded protein or absence of the protein due to nonsense mediated decay, which are commonly known mechanisms for disease. Truncations downstream of this position are classified as pathogenic in ClinVar. The variant allele was found at a frequency of 4.1e-06 in 246348 control chromosomes. To our knowledge, no occurrence of c.1834_1835delCT in individuals affected with Combined Oxidative Phosphorylation Defect Type 20 and no experimental evidence demonstrating its impact on protein function have been reported. Two submitters have provided clinical-significance assessments for this variant to ClinVar after 2014, and both laboratories classified the variant as pathogenic/likely pathogenic. Based on the evidence outlined above, the variant was classified as likely pathogenic.

Department of Pathology and Laboratory Medicine, Sinai Health System
Classification: Likely pathogenic for Combined oxidative phosphorylation defect type 20. Last evaluated: 2022-07-08. Review status: criteria provided, single submitter. Criteria: ACMG Guidelines, 2015. Collection method: research. Allele origin: germline.

Victorian Clinical Genetics Services, Murdoch Childrens Research Institute
Classification: Pathogenic for Combined oxidative phosphorylation defect type 20. Last evaluated: 2022-02-02. Review status: criteria provided, single submitter. Criteria: ACMG Guidelines, 2015. Collection method: clinical testing. Allele origin: germline. Inheritance: Autosomal recessive inheritance. Affected: yes.
Comment: Based on the classification scheme VCGS_Germline_v1.3.4, this variant is classified as pathogenic. The following criteria are met: 0102 - Loss of function is a known mechanism of disease in this gene and is associated with combined oxidative phosphorylation deficiency 20 (MIM#615917). (I) 0106 - This gene is associated with autosomal recessive disease. (I) 0201 - Variant is predicted to cause nonsense-mediated decay (NMD) and loss of protein (premature termination codon is located at least 54 nucleotides upstream of the final exon-exon junction). (SP) 0251 - This variant is heterozygous. (I) 0304 - Variant is present in gnomAD (v3) <0.01 for a recessive condition (3 heterozygotes, 0 homozygotes). (SP) 0803 - This variant has limited previous evidence of pathogenicity in an individual. This variant has been reported as likely pathogenic in ClinVar. (SP) 0905 - No published segregation evidence has been identified for this variant. (I) 1007 - No published functional evidence has been identified for this variant. (I) 0702 - Other NMD predicted variants comparable to the one identified in this case have strong previous evidence for pathogenicity (ClinVar, PMID: 29314548, 24827421, 31623496). (SP) Legend: (SP) - Supporting pathogenic, (I) - Information, (SB) - Supporting benign

Mendelics
Classification: Likely pathogenic for Combined oxidative phosphorylation defect type 20. Last evaluated: 2019-05-28. Review status: criteria provided, single submitter. Criteria: Mendelics Assertion Criteria 2017. Collection method: clinical testing. Allele origin: unknown.

Literature cited by the submitters: PubMed 29313548 (cited by Labcorp Genetics (formerly Invitae), Labcorp); PubMed 24827421 (cited by Victorian Clinical Genetics Services, Murdoch Childrens Research Institute); PubMed 29314548 (cited by Victorian Clinical Genetics Services, Murdoch Childrens Research Institute); PubMed 31623496 (cited by Victorian Clinical Genetics Services, Murdoch Childrens Research Institute).